The following is an entry in ClinVar:

NM_002972.4(SBF1):c.2062G>T (p.Gly688Trp)

Gene: SBF1 (SET binding factor 1; minus strand). Cytogenetic location: 22q13.33.
Variant type: single nucleotide variant.
Coding change: c.2062G>T on transcript NM_002972.4 (MANE Select); coding-DNA position 2062, G replaced by T.
Protein change: p.Gly688Trp; replaces glycine 688 with tryptophan.
Molecular consequence: missense variant.
Genome position (GRCh38, 1-based): chr22:50,462,624, C>A on the plus strand (G>T on the coding strand, the complement: SBF1 is on the minus strand). VCF-style: chr22-50462624-C-A. GRCh37 (hg19) VCF-style: chr22-50901053-C-A.
Other names: c.2065G>T, p.Gly689Trp (NM_001365819.1, NM_001410794.1); c.2062G>T, p.Gly688Trp (NM_001410795.1); short protein forms G688W, G689W.
Identifiers: ClinVar variation 3603850 (VCV003603850.2).

ClinVar aggregate classification (germline): Uncertain significance (1 of 4 stars; one submission).

gnomAD v4.1: 2 of 1,612,734 alleles (0.00012%); highest among the groups gnomAD compares: Middle Eastern, 0.033%; no homozygotes.

Submission:

Labcorp Genetics (formerly Invitae), Labcorp
Classification: Uncertain significance. Last evaluated: 2024-09-12. Review status: criteria provided, single submitter. Criteria: Invitae Variant Classification Sherloc (09022015). Collection method: clinical testing. Allele origin: germline.
Comment: This sequence change replaces glycine, which is neutral and non-polar, with tryptophan, which is neutral and slightly polar, at codon 688 of the SBF1 protein (p.Gly688Trp). The frequency data for this variant in the population databases is considered unreliable, as metrics indicate poor data quality at this position in the gnomAD database. This variant has not been reported in the literature in individuals affected with SBF1-related conditions. Invitae Evidence Modeling of protein sequence and biophysical properties (such as structural, functional, and spatial information, amino acid conservation, physicochemical variation, residue mobility, and thermodynamic stability) indicates that this missense variant is not expected to disrupt SBF1 protein function with a negative predictive value of 80%. In summary, the available evidence is currently insufficient to determine the role of this variant in disease. Therefore, it has been classified as a Variant of Uncertain Significance.